The following is an entry in ClinVar:

ClinVar aggregate classification (germline): Uncertain significance. Review status: criteria provided, multiple submitters, no conflicts (2 of 4 stars). 2 submissions from 2 submitters: Uncertain significance (2). Last evaluated 2026-01-26.

Allele frequency attached by ClinVar (database versions not stated): TOPMed below 0.00001; gnomAD 0.00004; gnomAD exomes 0.00004 and 0.00012; ExAC 0.00012; 1000 Genomes Project 0.00020; 1000 Genomes Project 30x 0.00031.
gnomAD v4.1: 71 of 1,612,970 alleles (0.0044%); highest among the groups gnomAD compares: South Asian, 0.071%; no homozygotes.

Submissions (2):

Labcorp Genetics (formerly Invitae), Labcorp
Classification: Uncertain significance. Last evaluated: 2026-01-26. Review status: criteria provided, single submitter. Criteria: Invitae Variant Classification Sherloc (09022015). Collection method: clinical testing. Allele origin: germline.
Comment: This sequence change replaces lysine, which is basic and polar, with arginine, which is basic and polar, at codon 175 of the COQ9 protein (p.Lys175Arg). This variant is present in population databases (rs578020795, gnomAD 0.09%). This variant has not been reported in the literature in individuals affected with COQ9-related conditions. ClinVar contains an entry for this variant (Variation ID: 1462787). An algorithm developed to predict the effect of missense changes on protein structure and function (PolyPhen-2) suggests that this variant is likely to be disruptive. In summary, the available evidence is currently insufficient to determine the role of this variant in disease. Therefore, it has been classified as a Variant of Uncertain Significance.

Breakthrough Genomics
Classification: Uncertain significance. Review status: criteria provided, single submitter. Criteria: ACMG Guidelines, 2015. Collection method: not provided. Allele origin: germline. Inheritance: Autosomal recessive inheritance. Affected: yes.

NM_020312.4(COQ9):c.524A>G (p.Lys175Arg)

Gene: COQ9 (coenzyme Q9; plus strand). Cytogenetic location: 16q21.
Variant type: single nucleotide variant.
Coding change: c.524A>G on transcript NM_020312.4 (MANE Select); coding-DNA position 524, A replaced by G.
Protein change: p.Lys175Arg; replaces lysine 175 with arginine.
Molecular consequence: missense variant.
Genome position (GRCh38, 1-based): chr16:57,456,933, A>G. VCF-style: chr16-57456933-A-G. GRCh37 (hg19) VCF-style: chr16-57490845-A-G.
Other names: short protein forms K175R.
Identifiers: ClinVar variation 1462787 (VCV001462787.5), dbSNP rs578020795, ClinGen allele CA8076257.